The following is an entry in ClinVar:

ClinVar aggregate classification (germline): Uncertain significance. Review status: criteria provided, multiple submitters, no conflicts (2 of 4 stars). 3 submissions from 3 submitters: Uncertain significance (3). Last evaluated 2025-03-01.

Conditions:
Duane retraction syndrome 3 with or without deafness (DURS3). Also called: DUANE RETRACTION SYNDROME 3; Duane syndrome type 3. Identifiers: Orphanet 233, MedGen C4310752, MONDO:0014880, OMIM 617041.
Multicentric carpo-tarsal osteolysis with or without nephropathy. Also called: OSTEOLYSIS, HEREDITARY, OF CARPAL BONES WITH OR WITHOUT NEPHROPATHY; Multicentric Carpotarsal Osteolysis with or without Nephropathy; MULTICENTRIC CARPOTARSAL OSTEOLYSIS SYNDROME; MULTICENTRIC OSTEOLYSIS, AUTOSOMAL DOMINANT; Multicentric Osteolysis of Carpal Bones and Nephropathy; Carnevale Canun Mendoza syndrome. Identifiers: Orphanet 2774, MedGen C2674705, MONDO:0008152, OMIM 166300.

Allele frequency attached by ClinVar (database versions not stated): gnomAD 0.00001; gnomAD exomes 0.00001.

Submissions (3):

Labcorp Genetics (formerly Invitae), Labcorp
Classification: Uncertain significance. Last evaluated: 2025-03-01. Review status: criteria provided, single submitter. Criteria: Invitae Variant Classification Sherloc (09022015). Collection method: clinical testing. Allele origin: germline.
Comment: This sequence change replaces proline, which is neutral and non-polar, with leucine, which is neutral and non-polar, at codon 42 of the MAFB protein (p.Pro42Leu). This variant is present in population databases (no rsID available, gnomAD 0.003%). This variant has not been reported in the literature in individuals affected with MAFB-related conditions. ClinVar contains an entry for this variant (Variation ID: 593578). Invitae Evidence Modeling of protein sequence and biophysical properties (such as structural, functional, and spatial information, amino acid conservation, physicochemical variation, residue mobility, and thermodynamic stability) indicates that this missense variant is not expected to disrupt MAFB protein function with a negative predictive value of 95%. In summary, the available evidence is currently insufficient to determine the role of this variant in disease. Therefore, it has been classified as a Variant of Uncertain Significance.

Fulgent Genetics
Classification: Uncertain significance for Multicentric carpo-tarsal osteolysis with or without nephropathy; Duane retraction syndrome 3 with or without deafness. Last evaluated: 2021-12-28. Review status: criteria provided, single submitter. Criteria: ACMG Guidelines, 2015. Collection method: clinical testing. Allele origin: unknown.

Eurofins Ntd Llc (ga)
Classification: Uncertain significance. Last evaluated: 2017-08-31. Review status: criteria provided, single submitter. Criteria: EGL Classification Definitions 2015. Collection method: clinical testing. Allele origin: germline. Observed: 1 variant allele, 1 heterozygote.

NM_005461.5(MAFB):c.125C>T (p.Pro42Leu)

Gene: MAFB (MAF bZIP transcription factor B; minus strand). Cytogenetic location: 20q12.
Variant type: single nucleotide variant.
Coding change: c.125C>T on transcript NM_005461.5 (MANE Select); coding-DNA position 125, C replaced by T.
Protein change: p.Pro42Leu; replaces proline 42 with leucine.
Molecular consequence: missense variant.
Genome position (GRCh38, 1-based): chr20:40,688,726, G>A on the plus strand (C>T on the coding strand, the complement: MAFB is on the minus strand). VCF-style: chr20-40688726-G-A. GRCh37 (hg19) VCF-style: chr20-39317366-G-A.
Other names: short protein forms P42L.
Identifiers: ClinVar variation 593578 (VCV000593578.10), dbSNP rs1290466873, ClinGen allele CA408941831.